The following is an entry in ClinVar:

ClinVar aggregate classification (germline): Likely pathogenic. Review status: criteria provided, multiple submitters, no conflicts (2 of 4 stars). 2 submissions from 2 submitters: Likely pathogenic (2). Last evaluated 2022-11-20.

Allele frequency attached by ClinVar (database versions not stated): TOPMed below 0.00001.
gnomAD v4.1: 3 of 1,613,958 alleles (0.00019%); highest among the groups gnomAD compares: Non-Finnish European, 0.00025%; no homozygotes.

Submissions (2):

Labcorp Genetics (formerly Invitae), Labcorp
Classification: Likely pathogenic. Last evaluated: 2022-11-20. Review status: criteria provided, single submitter. Criteria: Invitae Variant Classification Sherloc (09022015). Collection method: clinical testing. Allele origin: germline.
Comment: In summary, the currently available evidence indicates that the variant is pathogenic, but additional data are needed to prove that conclusively. Therefore, this variant has been classified as Likely Pathogenic. Algorithms developed to predict the effect of sequence changes on RNA splicing suggest that this variant may disrupt the consensus splice site. ClinVar contains an entry for this variant (Variation ID: 624032). This variant has not been reported in the literature in individuals affected with MME-related conditions. This variant is not present in population databases (gnomAD no frequency). This sequence change affects a donor splice site in intron 2 of the MME gene. It is expected to disrupt RNA splicing. Variants that disrupt the donor or acceptor splice site typically lead to a loss of protein function (PMID: 16199547), and loss-of-function variants in MME are known to be pathogenic (PMID: 26991897).

CeGaT Center for Human Genetics Tuebingen
Classification: Likely pathogenic. Last evaluated: 2018-09-01. Review status: criteria provided, single submitter. Criteria: CeGaT Center For Human Genetics Tuebingen Variant Classification Criteria Version 2. Collection method: clinical testing. Allele origin: germline. Affected: yes. Observed: 1 variant allele.

Literature cited by the submitters: PubMed 16199547 (cited by Labcorp Genetics (formerly Invitae), Labcorp); PubMed 26991897 (cited by Labcorp Genetics (formerly Invitae), Labcorp).

NM_007289.4(MME):c.160+2T>C

Gene: MME (membrane metalloendopeptidase; plus strand). Cytogenetic location: 3q25.2.
Variant type: single nucleotide variant.
Coding change: c.160+2T>C on transcript NM_007289.4 (MANE Select); the canonical splice donor site of the intron after coding-DNA position 160, T replaced by C.
Molecular consequence: splice donor variant.
Genome position (GRCh38, 1-based): chr3:155,084,329, T>C. VCF-style: chr3-155084329-T-C. GRCh37 (hg19) VCF-style: chr3-154802118-T-C.
Other names: c.160+2T>C (NM_001354642.2, NM_000902.5, NM_007287.4 and 3 more transcripts).
Identifiers: ClinVar variation 624032 (VCV000624032.46), dbSNP rs1446583831, ClinGen allele CA355128869.